The following is an entry in ClinVar:

NM_001079802.2(FKTN):c.194C>T (p.Thr65Ile)

Gene: FKTN (fukutin; plus strand). Cytogenetic location: 9q31.2.
Variant type: single nucleotide variant.
Coding change: c.194C>T on transcript NM_001079802.2 (MANE Select); coding-DNA position 194, C replaced by T.
Protein change: p.Thr65Ile; replaces threonine 65 with isoleucine.
Molecular consequence: missense variant. On other transcripts: 5 prime UTR variant (4), non-coding transcript variant (2).
Genome position (GRCh38, 1-based): chr9:105,601,173, C>T. VCF-style: chr9-105601173-C-T. GRCh37 (hg19) VCF-style: chr9-108363454-C-T.
Other names: c.194C>T, p.Thr65Ile (NM_001198963.2, NM_001351496.2, NM_001351498.2 and 1 more transcripts); c.125C>T, p.Thr42Ile (NM_001351497.2); c.-321C>T (NM_001351499.2, NM_001351500.2, NM_001351501.2 and 1 more transcripts); short protein forms T42I, T65I.
Identifiers: ClinVar variation 1960086 (VCV001960086.5), dbSNP rs1238441242, ClinGen allele CA374331453.

ClinVar aggregate classification (germline): Uncertain significance (1 of 4 stars; one submission).

Conditions:
Walker-Warburg congenital muscular dystrophy. Also called: Muscular dystrophy-dystroglycanopathy, type A; Walker-Warburg syndrome. Identifiers: Orphanet 899, MedGen C0265221, MONDO:0000171.

Allele frequency attached by ClinVar (database versions not stated): TOPMed below 0.00001.

Submission:

Labcorp Genetics (formerly Invitae), Labcorp
Classification: Uncertain significance for Walker-Warburg congenital muscular dystrophy. Last evaluated: 2022-07-08. Review status: criteria provided, single submitter. Criteria: Invitae Variant Classification Sherloc (09022015). Collection method: clinical testing. Allele origin: germline.
Comment: This variant has not been reported in the literature in individuals affected with FKTN-related conditions. Algorithms developed to predict the effect of missense changes on protein structure and function (SIFT, PolyPhen-2, Align-GVGD) all suggest that this variant is likely to be tolerated. In summary, the available evidence is currently insufficient to determine the role of this variant in disease. Therefore, it has been classified as a Variant of Uncertain Significance. This variant is not present in population databases (gnomAD no frequency). This sequence change replaces threonine, which is neutral and polar, with isoleucine, which is neutral and non-polar, at codon 65 of the FKTN protein (p.Thr65Ile).